The following is an entry in ClinVar:

ClinVar aggregate classification (germline): Uncertain significance (1 of 4 stars; one submission).

gnomAD v4.1: 73 of 1,614,174 alleles (0.0045%); highest among the groups gnomAD compares: Non-Finnish European, 0.0058%; no homozygotes.

Submission:

Women's Health and Genetics/Laboratory Corporation of America, LabCorp
Classification: Uncertain significance. Last evaluated: 2024-08-19. Review status: criteria provided, single submitter. Criteria: LabCorp Variant Classification Summary - May 2015. Collection method: clinical testing. Allele origin: germline.
Comment: Variant summary: WAC c.1393A>G (p.Ile465Val) results in a conservative amino acid change in the encoded protein sequence. Five of five in-silico tools predict a benign effect of the variant on protein function. The variant allele was found at a frequency of 4.5e-05 in 1614174 control chromosomes. This frequency is not significantly higher than estimated for a pathogenic variant in WAC causing Desanto-Shinawi Syndrome, allowing no conclusion about variant significance. c.1393A>G has been reported in the literature in a setting of exome sequecning as a de novo occurrence in at least one individual affected with autism spectrum disorder (e.g. Satterstrom_2020). This report does not provide unequivocal conclusions about association of the variant with Desanto-Shinawi Syndrome. To our knowledge, no experimental evidence demonstrating an impact on protein function has been reported. The following publication has been ascertained in the context of this evaluation (PMID: 31981491). No submitters have cited clinical-significance assessments for this variant to ClinVar. Based on the evidence outlined above, the variant was classified as uncertain significance.

Literature cited by the submitters: PubMed 31981491.

NM_016628.5(WAC):c.1393A>G (p.Ile465Val)

Gene: WAC (WW domain containing adaptor with coiled-coil; plus strand). Cytogenetic location: 10p12.1.
Variant type: single nucleotide variant.
Coding change: c.1393A>G on transcript NM_016628.5 (MANE Select); coding-DNA position 1393, A replaced by G.
Protein change: p.Ile465Val; replaces isoleucine 465 with valine.
Molecular consequence: missense variant.
Genome position (GRCh38, 1-based): chr10:28,611,878, A>G. VCF-style: chr10-28611878-A-G. GRCh37 (hg19) VCF-style: chr10-28900807-A-G.
Other names: c.1258A>G, p.Ile420Val (NM_100264.3); c.1084A>G, p.Ile362Val (NM_100486.4); short protein forms I362V, I420V, I465V.
Identifiers: ClinVar variation 3366731 (VCV003366731.1).
Genomic context (GRCh38, chr10:28,611,878, plus strand): 5'-TCATCCCCAAGATCATATGTTTCTCCAAGAATAAGCACACCTCAAACTAACACAGTCCCT[A>G]TCAAACCTTTGATCAGTACTCCTCCTGTTTCATCACAGCCAAAGGTATGTCACCTTTGAG-3'
Protein context (NP_057712.2, residues 455-475): ISTPQTNTVP[Ile465Val]KPLISTPPVS